The following is an entry in ClinVar:

NM_021930.6(RINT1):c.1282A>G (p.Ile428Val)

Gene: RINT1 (RAD50 interactor 1; plus strand). Cytogenetic location: 7q22.3.
Variant type: single nucleotide variant.
Coding change: c.1282A>G on transcript NM_021930.6 (MANE Select); coding-DNA position 1282, A replaced by G.
Protein change: p.Ile428Val; replaces isoleucine 428 with valine.
Molecular consequence: missense variant. On other transcripts: non-coding transcript variant (1).
Genome position (GRCh38, 1-based): chr7:105,550,435, A>G. VCF-style: chr7-105550435-A-G. GRCh37 (hg19) VCF-style: chr7-105190882-A-G.
Other names: c.1048A>G, p.Ile350Val (NM_001346599.2); c.259A>G, p.Ile87Val (NM_001346600.2, NM_001346603.2); c.358A>G, p.Ile120Val (NM_001346601.2); short protein forms I428V, I120V, I350V, I87V.
Identifiers: ClinVar variation 3706461 (VCV003706461.2).

ClinVar aggregate classification (germline): Uncertain significance (1 of 4 stars; one submission).

gnomAD v4.1: 2 of 1,614,046 alleles (0.00012%); highest among the groups gnomAD compares: African/African-American, 0.0013%; no homozygotes.

Submission:

Labcorp Genetics (formerly Invitae), Labcorp
Classification: Uncertain significance. Last evaluated: 2024-11-26. Review status: criteria provided, single submitter. Criteria: Invitae Variant Classification Sherloc (09022015). Collection method: clinical testing. Allele origin: germline.
Comment: This sequence change replaces isoleucine, which is neutral and non-polar, with valine, which is neutral and non-polar, at codon 428 of the RINT1 protein (p.Ile428Val). This variant is not present in population databases (gnomAD no frequency). This variant has not been reported in the literature in individuals affected with RINT1-related conditions. An algorithm developed to predict the effect of missense changes on protein structure and function (PolyPhen-2) suggests that this variant is likely to be tolerated. In summary, the available evidence is currently insufficient to determine the role of this variant in disease. Therefore, it has been classified as a Variant of Uncertain Significance.